The following is an entry in ClinVar:

NM_001457.4(FLNB):c.3310C>T (p.Pro1104Ser)

Gene: FLNB (filamin B; plus strand). Cytogenetic location: 3p14.3.
Variant type: single nucleotide variant.
Coding change: c.3310C>T on transcript NM_001457.4 (MANE Select); coding-DNA position 3310, C replaced by T.
Protein change: p.Pro1104Ser; replaces proline 1104 with serine.
Molecular consequence: missense variant.
Genome position (GRCh38, 1-based): chr3:58,123,276, C>T. VCF-style: chr3-58123276-C-T. GRCh37 (hg19) VCF-style: chr3-58109003-C-T.
Other names: c.3310C>T, p.Pro1104Ser (NM_001164317.2, NM_001164318.2, NM_001164319.2); short protein forms P1104S.
Identifiers: ClinVar variation 4801703 (VCV004801703.1).

ClinVar aggregate classification (germline): Uncertain significance (1 of 4 stars; one submission).

gnomAD v4.1: 1 of 1,614,186 alleles (0.000062%); highest among the groups gnomAD compares: Non-Finnish European, 0.000085%; no homozygotes.

Submission:

Labcorp Genetics (formerly Invitae), Labcorp
Classification: Uncertain significance. Last evaluated: 2025-03-04. Review status: criteria provided, single submitter. Criteria: Invitae Variant Classification Sherloc (09022015). Collection method: clinical testing. Allele origin: germline.
Comment: This sequence change replaces proline, which is neutral and non-polar, with serine, which is neutral and polar, at codon 1104 of the FLNB protein (p.Pro1104Ser). This variant is not present in population databases (gnomAD no frequency). This variant has not been reported in the literature in individuals affected with FLNB-related conditions. Invitae Evidence Modeling of protein sequence and biophysical properties (such as structural, functional, and spatial information, amino acid conservation, physicochemical variation, residue mobility, and thermodynamic stability) indicates that this missense variant is not expected to disrupt FLNB protein function with a negative predictive value of 80%. In summary, the available evidence is currently insufficient to determine the role of this variant in disease. Therefore, it has been classified as a Variant of Uncertain Significance.